The following is an entry in ClinVar:

ClinVar aggregate classification (germline): Uncertain significance (1 of 4 stars; one submission).

Allele frequency attached by ClinVar (database versions not stated): 1000 Genomes Project 30x 0.00016.

Submission:

Labcorp Genetics (formerly Invitae), Labcorp
Classification: Uncertain significance. Last evaluated: 2022-04-15. Review status: criteria provided, single submitter. Criteria: Invitae Variant Classification Sherloc (09022015). Collection method: clinical testing. Allele origin: germline.
Comment: This variant is not present in population databases (gnomAD no frequency). This sequence change replaces arginine, which is basic and polar, with leucine, which is neutral and non-polar, at codon 97 of the SBF1 protein (p.Arg97Leu). In summary, the available evidence is currently insufficient to determine the role of this variant in disease. Therefore, it has been classified as a Variant of Uncertain Significance. Algorithms developed to predict the effect of missense changes on protein structure and function (SIFT, PolyPhen-2, Align-GVGD) all suggest that this variant is likely to be tolerated. This variant has not been reported in the literature in individuals affected with SBF1-related conditions.

NM_002972.4(SBF1):c.290G>T (p.Arg97Leu)

Gene: SBF1 (SET binding factor 1; minus strand). Cytogenetic location: 22q13.33.
Variant type: single nucleotide variant.
Coding change: c.290G>T on transcript NM_002972.4 (MANE Select); coding-DNA position 290, G replaced by T.
Protein change: p.Arg97Leu; replaces arginine 97 with leucine.
Molecular consequence: missense variant.
Genome position (GRCh38, 1-based): chr22:50,467,680, C>A on the plus strand (G>T on the coding strand, the complement: SBF1 is on the minus strand). VCF-style: chr22-50467680-C-A. GRCh37 (hg19) VCF-style: chr22-50906109-C-A.
Other names: c.293G>T, p.Arg98Leu (NM_001365819.1, NM_001410794.1); c.290G>T, p.Arg97Leu (NM_001410795.1, NM_197971.1); short protein forms R97L, R98L.
Identifiers: ClinVar variation 2126600 (VCV002126600.4), dbSNP rs769121197, ClinGen allele CA412223773.